The following is an entry in ClinVar:

ClinVar aggregate classification (germline): not provided (0 of 4 stars; one submission).

Allele frequency attached by ClinVar (database versions not stated): gnomAD 0.00001 and 0.00003; gnomAD exomes 0.00001 and 0.00008; TOPMed 0.00001; ExAC 0.00002.
gnomAD v4.1: 105 of 1,494,658 alleles (0.007%); highest among the groups gnomAD compares: East Asian, 0.23%; no homozygotes.

Submission:

Human Evolutionary Genetics, Institut Pasteur
No classification provided. Review status: no classification provided. Collection method: not provided. Allele origin: germline.
ClinVar note: Converted during submission from untested to not provided.

NM_006092.4(NOD1):c.2285+31T>C

Gene: NOD1 (nucleotide binding oligomerization domain containing 1; minus strand). Cytogenetic location: 7p14.3.
Variant type: single nucleotide variant.
Coding change: c.2285+31T>C on transcript NM_006092.4 (MANE Select); 31 bases into the intron after coding-DNA position 2285, T replaced by C.
Molecular consequence: intron variant.
Genome position (GRCh38, 1-based): chr7:30,448,267, A>G on the plus strand (T>C on the coding strand, the complement: NOD1 is on the minus strand). VCF-style: chr7-30448267-A-G. GRCh37 (hg19) VCF-style: chr7-30487883-A-G.
Other names: c.2285+31T>C (NM_001354849.2).
Identifiers: ClinVar variation 103099 (VCV000103099.2), dbSNP rs199476266, ClinGen allele CA230116.